The following is an entry in ClinVar:

NM_001458.5(FLNC):c.5191C>G (p.His1731Asp)

Gene: FLNC (filamin C; plus strand). Cytogenetic location: 7q32.1.
Variant type: single nucleotide variant.
Coding change: c.5191C>G on transcript NM_001458.5 (MANE Select); coding-DNA position 5191, C replaced by G.
Protein change: p.His1731Asp; replaces histidine 1731 with aspartic acid.
Molecular consequence: missense variant.
Genome position (GRCh38, 1-based): chr7:128,849,570, C>G. VCF-style: chr7-128849570-C-G. GRCh37 (hg19) VCF-style: chr7-128489624-C-G.
Other names: c.5191C>G, p.His1731Asp (NM_001127487.2); short protein forms H1731D.
Identifiers: ClinVar variation 3752545 (VCV003752545.2).

ClinVar aggregate classification (germline): Uncertain significance (1 of 4 stars; one submission).

Conditions:
Myofibrillar myopathy 5. Also called: Filaminopathy (type); FILAMINOPATHY, AUTOSOMAL DOMINANT. Identifiers: Orphanet 171445, MedGen C1836050, MONDO:0012289, OMIM 609524.
Distal myopathy with posterior leg and anterior hand involvement. Also called: WILLIAMS DISTAL MYOPATHY. Identifiers: Orphanet 63273, MedGen C3279722, MONDO:0013550, OMIM 614065.
Hypertrophic cardiomyopathy 26. Also called: Cardiomyopathy, familial hypertrophic, 26. Identifiers: Orphanet 75249, MedGen C4310749, MONDO:0014883, OMIM 617047.

gnomAD v4.1: 2 of 1,613,962 alleles (0.00012%); highest among the groups gnomAD compares: Non-Finnish European, 0.00017%; no homozygotes.

Submission:

Labcorp Genetics (formerly Invitae), Labcorp
Classification: Uncertain significance for Distal myopathy with posterior leg and anterior hand involvement; Myofibrillar myopathy 5; Hypertrophic cardiomyopathy 26. Last evaluated: 2024-05-23. Review status: criteria provided, single submitter. Criteria: Invitae Variant Classification Sherloc (09022015). Collection method: clinical testing. Allele origin: germline.
Comment: This sequence change replaces histidine, which is basic and polar, with aspartic acid, which is acidic and polar, at codon 1731 of the FLNC protein (p.His1731Asp). This variant is not present in population databases (gnomAD no frequency). This variant has not been reported in the literature in individuals affected with FLNC-related conditions. Advanced modeling of protein sequence and biophysical properties (such as structural, functional, and spatial information, amino acid conservation, physicochemical variation, residue mobility, and thermodynamic stability) has been performed at Invitae for this missense variant, however the output from this modeling did not meet the statistical confidence thresholds required to predict the impact of this variant on FLNC protein function. In summary, the available evidence is currently insufficient to determine the role of this variant in disease. Therefore, it has been classified as a Variant of Uncertain Significance.